The following is an entry in ClinVar:

ClinVar aggregate classification (germline): Uncertain significance (1 of 4 stars; one submission).

Conditions:
FGFR3-related disorder. Also called: FGFR3-related disorders.

Submission:

3billion
Classification: Uncertain significance for FGFR3-related disorder. Last evaluated: 2024-08-07. Review status: criteria provided, single submitter. Criteria: ACMG Guidelines, 2015. Collection method: clinical testing. Allele origin: germline. Affected: yes.
Comment: The variant is not observed in the gnomAD v4.0.0 dataset. Predicted Consequence/Location: Missense changes are a common disease-causing mechanism. In silico tool predictions suggest damaging effect of the variant on gene or gene product [REVEL: 0.68 (>=0.6, sensitivity 0.68 and specificity 0.92); 3Cnet: 0.88 (>=0.6, sensitivity 0.72 and precision 0.9)]. Therefore, this variant is classified as VUS according to the recommendation of ACMG/AMP guideline.

NM_000142.5(FGFR3):c.1134C>A (p.Ser378Arg)

Gene: FGFR3 (fibroblast growth factor receptor 3; plus strand). Cytogenetic location: 4p16.3.
Variant type: single nucleotide variant.
Coding change: c.1134C>A on transcript NM_000142.5 (MANE Select); coding-DNA position 1134, C replaced by A.
Protein change: p.Ser378Arg; replaces serine 378 with arginine.
Molecular consequence: missense variant. On other transcripts: non-coding transcript variant (1), intron variant (1).
Genome position (GRCh38, 1-based): chr4:1,804,388, C>A. VCF-style: chr4-1804388-C-A. GRCh37 (hg19) VCF-style: chr4-1806115-C-A.
Other names: c.1140C>A, p.Ser380Arg (NM_001163213.2); c.1134C>A, p.Ser378Arg (NM_001354809.2, NM_001354810.2); c.931-436C>A (NM_022965.4); short protein forms S378R, S380R.
Identifiers: ClinVar variation 4293022 (VCV004293022.1).